The following is an entry in ClinVar:

NM_000257.4(MYH7):c.5704G>A (p.Glu1902Lys)

Gene: MYH7 (myosin heavy chain 7; minus strand). Cytogenetic location: 14q11.2.
Variant type: single nucleotide variant.
Coding change: c.5704G>A on transcript NM_000257.4 (MANE Select); coding-DNA position 5704, G replaced by A.
Protein change: p.Glu1902Lys; replaces glutamic acid 1902 with lysine.
Molecular consequence: missense variant.
Genome position (GRCh38, 1-based): chr14:23,413,845, C>T on the plus strand (G>A on the coding strand, the complement: MYH7 is on the minus strand). VCF-style: chr14-23413845-C-T. GRCh37 (hg19) VCF-style: chr14-23883054-C-T.
Other names: p.E1902K:GAG>AAG; c.5704G>A (LRG_384t1); short protein forms E1902K.
Identifiers: ClinVar variation 181289 (VCV000181289.21), dbSNP rs187073962, ClinGen allele CA016392.
Genomic context (GRCh38, chr14:23,413,845, plus strand): 5'-CCCGCAGCTTGTTGACCTGGGACTCGGCGATGTCCGCCCGCTCCTCTGCCTCATCCAGCT[C>T]GTGCTGCACCTTGCGGAACTTGGACAGGTTGGTGTTGGCTTGCTCCTCCTGCGGGAGGTG-3'
Protein context (NP_000248.2, residues 1892-1912): NLSKFRKVQH[Glu1902Lys]LDEAEERADI

ClinVar aggregate classification (germline): Uncertain significance. Review status: criteria provided, multiple submitters, no conflicts (2 of 4 stars). 9 submissions from 9 submitters: Uncertain significance (9). Last evaluated 2026-02-23.

Conditions:
MYH7-related disorder. Also called: MYH7-related condition; MYH7-related disease; MYH7-related disorders.
Cardiovascular phenotype. Identifiers: MedGen CN230736.
Cardiomyopathy (CMYO). Also called: Cardiomyopathies. Identifiers: Orphanet 167848, MedGen C0878544, MONDO:0004994, HP:0001638. Inheritance: Various modes of inheritance.
Hypertrophic cardiomyopathy. Also called: HYPERTROPHIC MYOCARDIOPATHY. Identifiers: Orphanet 217569, MedGen C0007194, MeSH D002312, MONDO:0005045, HP:0001639.

gnomAD v4.1: 7 of 1,614,266 alleles (0.00043%); highest among the groups gnomAD compares: East Asian, 0.0045%; no homozygotes.

Submissions (9):

PreventionGenetics, part of Exact Sciences
Classification: Uncertain significance for MYH7-related condition. Last evaluated: 2026-02-23. Review status: criteria provided, single submitter. Criteria: ACMG Guidelines, 2015. Collection method: clinical testing. Allele origin: germline.
Comment: The MYH7 c.5704G>A variant is predicted to result in the amino acid substitution p.Glu1902Lys. This variant has been reported in a few individuals with dilated or hypertrophic cardiomyopathy (Table S8, McGurk et al. 2023. PubMed ID: 37652022; Supplemental Table 4, Verdonschot et al. 2020. PubMed ID: 32880476; Table S3, Mazzarotto et al. 2018. PubMed ID: 29875424). This variant is reported in 0.0054% of alleles in individuals of East Asian descent in gnomAD and is interpreted as uncertain in ClinVar (ClinVar ID: 181289). At this time, the clinical significance of this variant is uncertain due to the absence of conclusive functional and genetic evidence.

Labcorp Genetics (formerly Invitae), Labcorp
Classification: Uncertain significance for Hypertrophic cardiomyopathy. Last evaluated: 2025-12-16. Review status: criteria provided, single submitter. Criteria: Invitae Variant Classification Sherloc (09022015). Collection method: clinical testing. Allele origin: germline.
Comment: This sequence change replaces glutamic acid, which is acidic and polar, with lysine, which is basic and polar, at codon 1902 of the MYH7 protein (p.Glu1902Lys). This variant is present in population databases (rs187073962, gnomAD 0.006%). This missense change has been observed in individual(s) with dilated cardiomyopathy and/or MYH7-related conditions (PMID: 32880476, 37652022). ClinVar contains an entry for this variant (Variation ID: 181289). Invitae Evidence Modeling of protein sequence and biophysical properties (such as structural, functional, and spatial information, amino acid conservation, physicochemical variation, residue mobility, and thermodynamic stability) indicates that this missense variant is expected to disrupt MYH7 protein function with a positive predictive value of 95%. In summary, the available evidence is currently insufficient to determine the role of this variant in disease. Therefore, it has been classified as a Variant of Uncertain Significance.

Ambry Genetics
Classification: Uncertain significance for Cardiovascular phenotype. Last evaluated: 2025-08-07. Review status: criteria provided, single submitter. Criteria: Ambry Variant Classification Scheme 2023. Collection method: clinical testing. Allele origin: germline.
Comment: The p.E1902K variant (also known as c.5704G>A), located in coding exon 37 of the MYH7 gene, results from a G to A substitution at nucleotide position 5704. The glutamic acid at codon 1902 is replaced by lysine, an amino acid with similar properties. This variant was reported in individual(s) with features consistent with MYH7-related cardiomyopathy (Mazzarotto F et al. Genet Med, 2019 02;21:284-292; Verdonschot JAJ et al. Circ Genom Precis Med, 2020 10;13:476-487; McGurk KA et al. Am J Hum Genet. 2023 Sep;110(9):1482-1495; Ambry internal data). This amino acid position is highly conserved in available vertebrate species. In addition, this alteration is predicted to be deleterious by in silico analysis. Based on the available evidence, the clinical significance of this variant remains unclear.

Color Diagnostics, LLC DBA Color Health
Classification: Uncertain significance for Cardiomyopathy. Last evaluated: 2025-04-21. Review status: criteria provided, single submitter. Criteria: ACMG Guidelines, 2015. Collection method: clinical testing. Allele origin: germline.
Comment: This missense variant replaces glutamic acid with lysine at codon 1902 of the MYH7 protein. Computational prediction suggests that this variant may have a deleterious impact on protein structure and function. To our knowledge, functional studies have not been reported for this variant. This variant has been reported in two individuals affected with hypertrophic cardiomyopathy (PMID: 29875424, 37652022) and in an individual affected with dilated cardiomyopathy (PMID: 32880476). This variant has been identified in 2/251484 chromosomes in the general population by the Genome Aggregation Database (gnomAD). The available evidence is insufficient to determine the role of this variant in disease conclusively. Therefore, this variant is classified as a Variant of Uncertain Significance.

GeneDx
Classification: Uncertain significance. Last evaluated: 2024-12-19. Review status: criteria provided, single submitter. Criteria: GeneDx Variant Classification Process June 2021. Collection method: clinical testing. Allele origin: germline. Affected: yes.
Comment: Reported in the published literature in association with dilated cardiomyopathy and hypertrophic cardiomyopathy; however, detailed clinical information was not provided (PMID: 32880476, 29875424, 37652022); Not observed at significant frequency in large population cohorts (gnomAD); In silico analysis supports that this missense variant has a deleterious effect on protein structure/function; This variant is associated with the following publications: (PMID: 20474083, 29875424, 32880476, 37652022)

All of Us Research Program, National Institutes of Health
Classification: Uncertain significance for Cardiomyopathy. Last evaluated: 2024-01-11. Review status: criteria provided, single submitter. Criteria: ACMG Guidelines, 2015. Collection method: clinical testing. Allele origin: germline. Inheritance: Autosomal dominant inheritance. Observed: 2 variant alleles, 2 heterozygotes.
Comment: This study involves interpretation of variants in research participants for the purpose of population health screening. Participant phenotype was not available at the time of variant classification. Additional details can be found in publication PMID: 35346344, PMCID: PMC8962531

CHEO Genetics Diagnostic Laboratory, Children's Hospital of Eastern Ontario
Classification: Uncertain significance for Cardiomyopathy. Last evaluated: 2022-08-29. Review status: criteria provided, single submitter. Criteria: ACMG Guidelines, 2015. Collection method: clinical testing. Allele origin: germline.

Blueprint Genetics
Classification: Uncertain significance. Last evaluated: 2021-12-16. Review status: criteria provided, single submitter. Criteria: ACMG Guidelines, 2015. Collection method: clinical testing. Allele origin: germline.

Women's Health and Genetics/Laboratory Corporation of America, LabCorp
Classification: Uncertain significance. Last evaluated: 2017-06-22. Review status: criteria provided, single submitter. Criteria: LabCorp Variant Classification Summary - May 2015. Collection method: clinical testing. Allele origin: germline.
Comment: Variant summary: The MYH7 c.5704G>A (p.Glu1902Lys) variant causes a missense change involving the alteration of a conserved nucleotide. 3/4 in silico tools predict a damaging outcome for this variant (SNPsandGO not captured due to low reliability index). The variant of interest has been found in a large, broad control population, ExAC in 2/121412 control chromosomes at a frequency of 0.0000165, which does not exceed the estimated maximal expected allele frequency of a pathogenic MYH7 variant (0.0010005). In addition, one clinical diagnostic laboratories/reputable databases classified this variant as uncertain significance. Taken together, this variant is classified as a VUS, until more clinical and functional information becomes available.

Literature cited by the submitters: PubMed 32880476 (cited by 3 submitters); PubMed 37652022 (cited by 3 submitters); PubMed 29875424 (cited by Ambry Genetics and Color Diagnostics, LLC DBA Color Health); PubMed 20474083 (cited by Women's Health and Genetics/Laboratory Corporation of America, LabCorp).